The following is an entry in ClinVar:

ClinVar aggregate classification (germline): Conflicting classifications of pathogenicity. Review status: criteria provided, conflicting classifications (1 of 4 stars). 3 submissions from 3 submitters: Uncertain significance (1); Benign (1); Likely benign (1). Last evaluated 2026-07-29.

Conditions:
VCAN-related disorder. Also called: VCAN-related condition.

Allele frequency attached by ClinVar (database versions not stated): gnomAD exomes 0.00002 and 0.00003; TOPMed 0.00006; ExAC 0.00007; gnomAD 0.00010 and 0.00012; ESP Exome Variant Server 0.00015.
gnomAD v4.1: 72 of 1,613,888 alleles (0.0045%); highest among the groups gnomAD compares: Admixed American, 0.022%; 2 homozygotes.

Submissions (3):

PreventionGenetics, part of Exact Sciences
Classification: Uncertain significance for VCAN-related condition. Last evaluated: 2026-07-29. Review status: criteria provided, single submitter. Criteria: ACMG Guidelines, 2015. Collection method: clinical testing. Allele origin: germline.
Comment: The VCAN c.5240C>T variant is predicted to result in the amino acid substitution p.Ser1747Leu. To our knowledge, this variant has not been reported in the literature. This variant is reported in 0.020% of alleles in individuals of East Asian descent in gnomAD. Although we suspect that this variant may be benign, at this time, the clinical significance of this variant is uncertain due to the absence of conclusive functional and genetic evidence.

Labcorp Genetics (formerly Invitae), Labcorp
Classification: Benign. Last evaluated: 2026-01-06. Review status: criteria provided, single submitter. Criteria: Invitae Variant Classification Sherloc (09022015). Collection method: clinical testing. Allele origin: germline.

Blueprint Genetics
Classification: Likely benign. Last evaluated: 2024-11-11. Review status: criteria provided, single submitter. Criteria: ACMG Guidelines, 2015. Collection method: clinical testing. Allele origin: germline.

NM_004385.5(VCAN):c.5240C>T (p.Ser1747Leu)

Genes: VCAN (versican; plus strand), VCAN-AS1 (VCAN antisense RNA 1; minus strand). Cytogenetic location: 5q14.3.
Variant type: single nucleotide variant.
Coding change: c.5240C>T on transcript NM_004385.5 (MANE Select); coding-DNA position 5240, C replaced by T.
Protein change: p.Ser1747Leu; replaces serine 1747 with leucine.
Molecular consequence: missense variant. On other transcripts: intron variant (2).
Genome position (GRCh38, 1-based): chr5:83,538,243, C>T. VCF-style: chr5-83538243-C-T. GRCh37 (hg19) VCF-style: chr5-82834062-C-T.
Other names: c.2279C>T, p.Ser760Leu (NM_001164097.2); c.4004-7294C>T (NM_001164098.2); c.1043-7294C>T (NM_001126336.3); short protein forms S760L, S1747L.
Identifiers: ClinVar variation 728003 (VCV000728003.12), dbSNP rs376380721, ClinGen allele CA3333300.